The following is an entry in ClinVar:

ClinVar aggregate classification (germline): Pathogenic. Review status: criteria provided, multiple submitters, no conflicts (2 of 4 stars). 3 submissions from 3 submitters: Pathogenic (3). Last evaluated 2024-11-11.

Conditions:
Retinitis pigmentosa (RP). Identifiers: Orphanet 791, MedGen C0035334, MeSH D012174, MONDO:0019200, OMIM 268000. Inheritance: Autosomal dominant, autosomal recessive and X linked inheritance.
Severe early-childhood-onset retinal dystrophy (STGD1). Also called: Stargardt macular dystrophy; Juvenile onset macular degeneration; Stargardt disease 1; MACULAR DYSTROPHY WITH FLECKS, TYPE 1; STGD. Identifiers: Orphanet 364055, Orphanet 827, MedGen C1855465, MeSH D000080362, MONDO:0009549, OMIM 248200.

Submissions (3):

Labcorp Genetics (formerly Invitae), Labcorp
Classification: Pathogenic. Last evaluated: 2024-11-11. Review status: criteria provided, single submitter. Criteria: Invitae Variant Classification Sherloc (09022015). Collection method: clinical testing. Allele origin: germline.
Comment: This variant results in the deletion of part of exon 6 (c.699_768+341del) of the ABCA4 gene. It is expected to disrupt RNA splicing. Variants that disrupt the donor or acceptor splice site typically lead to a loss of protein function (PMID: 16199547), and loss-of-function variants in ABCA4 are known to be pathogenic (PMID: 10958761, 24938718, 25312043, 26780318). This variant is not present in population databases (gnomAD no frequency). This variant has been observed in individual(s) with ABCA4-related conditions (PMID: 32619608). ClinVar contains an entry for this variant (Variation ID: 856501). This variant disrupts the p.Leu244 amino acid residue in ABCA4. Other variant(s) that disrupt this residue have been determined to be pathogenic (PMID: 11527935, 18285826, 19074458). This suggests that this residue is clinically significant, and that variants that disrupt this residue are likely to be disease-causing. For these reasons, this variant has been classified as Pathogenic.

Ophthalmic Genetics Group, Institute of Molecular and Clinical Ophthalmology Basel
Classification: Pathogenic for Retinitis pigmentosa. Last evaluated: 2023-07-24. Review status: criteria provided, single submitter. Criteria: ACMG Guidelines, 2015. Collection method: research. Allele origin: germline. Affected: yes. Observed: 1 variant allele.
Comment: Clinical significance based on ACMG v2.0

Clinical Genetics Service, Universitary Hospital 12 de Octubre
Classification: Pathogenic for Severe early-childhood-onset retinal dystrophy. Review status: criteria provided, single submitter. Criteria: ACMG Guidelines, 2015. Collection method: clinical testing. Allele origin: paternal. Affected: yes.

Literature cited by the submitters: PubMed 16199547 (cited by Labcorp Genetics (formerly Invitae), Labcorp); PubMed 10958761 (cited by Labcorp Genetics (formerly Invitae), Labcorp); PubMed 24938718 (cited by Labcorp Genetics (formerly Invitae), Labcorp); PubMed 25312043 (cited by Labcorp Genetics (formerly Invitae), Labcorp); PubMed 26780318 (cited by Labcorp Genetics (formerly Invitae), Labcorp); PubMed 32619608 (cited by Labcorp Genetics (formerly Invitae), Labcorp); PubMed 11527935 (cited by Labcorp Genetics (formerly Invitae), Labcorp); PubMed 18285826 (cited by Labcorp Genetics (formerly Invitae), Labcorp); PubMed 19074458 (cited by Labcorp Genetics (formerly Invitae), Labcorp); PubMed 36909829 (cited by Ophthalmic Genetics Group, Institute of Molecular and Clinical Ophthalmology Basel).

NM_000350.3(ABCA4):c.699_768+341del

Gene: ABCA4 (ATP binding cassette subfamily A member 4; minus strand). Cytogenetic location: 1p22.1.
Variant type: Deletion.
Coding change: c.699_768+341del on transcript NM_000350.3 (MANE Select); coding-DNA position 699 through 341 bases into the intron after coding-DNA position 768, 411 bases deleted.
Molecular consequence: splice donor variant.
Genome position (GRCh38, 1-based): chr1:94,098,453-94,098,863, 411 bases deleted. GRCh37 (hg19): chr1:94,564,011-94,564,421.
Other names: NC_000001.10:g.94564011_94564421del; NP_000341.2:p.?.
Identifiers: ClinVar variation 856501 (VCV000856501.10), dbSNP rs1662191792, ClinGen allele CA916082073.